The following is an entry in ClinVar:

NM_001378418.1(TCF20):c.1890T>G (p.Asp630Glu)

Gene: TCF20 (transcription factor 20; minus strand). Cytogenetic location: 22q13.2.
Variant type: single nucleotide variant.
Coding change: c.1890T>G on transcript NM_001378418.1 (MANE Select); coding-DNA position 1890, T replaced by G.
Protein change: p.Asp630Glu; replaces aspartic acid 630 with glutamic acid.
Molecular consequence: missense variant.
Genome position (GRCh38, 1-based): chr22:42,213,416, A>C on the plus strand (T>G on the coding strand, the complement: TCF20 is on the minus strand). VCF-style: chr22-42213416-A-C. GRCh37 (hg19) VCF-style: chr22-42609422-A-C.
Other names: c.1890T>G, p.Asp630Glu (NM_005650.4, NM_181492.3); short protein forms D630E.
Identifiers: ClinVar variation 2890352 (VCV002890352.3), dbSNP rs369374440, ClinGen allele CA10267095.
Genomic context (GRCh38, chr22:42,213,416, plus strand): 5'-TGCATGACTGGTTTCCTTTGCCCCACCATTGCTAGGTGGCCTTTGAGTGGCTGCAGGATC[A>C]TCCTCTTGGGAGCCTTTATCTTGTCCACCAGGCTTTTCTACCCGACCTGTCATGGCTTCC-3'
Protein context (NP_001365347.1, residues 620-640): PGGQDKGSQE[Asp630Glu]DPAATQRPPS

ClinVar aggregate classification (germline): Uncertain significance (1 of 4 stars; one submission).

Allele frequency attached by ClinVar (database versions not stated): ExAC 0.00002; gnomAD 0.00005; ESP Exome Variant Server 0.00008.
gnomAD v4.1: 10 of 1,613,988 alleles (0.00062%); highest among the groups gnomAD compares: African/African-American, 0.012%; no homozygotes.

Submission:

Labcorp Genetics (formerly Invitae), Labcorp
Classification: Uncertain significance. Last evaluated: 2023-05-27. Review status: criteria provided, single submitter. Criteria: Invitae Variant Classification Sherloc (09022015). Collection method: clinical testing. Allele origin: germline.
Comment: In summary, the available evidence is currently insufficient to determine the role of this variant in disease. Therefore, it has been classified as a Variant of Uncertain Significance. Algorithms developed to predict the effect of missense changes on protein structure and function output the following: SIFT: "Not Available"; PolyPhen-2: "Benign"; Align-GVGD: "Not Available". The glutamic acid amino acid residue is found in multiple mammalian species, which suggests that this missense change does not adversely affect protein function. This variant has not been reported in the literature in individuals affected with TCF20-related conditions. This variant is present in population databases (rs369374440, gnomAD 0.01%). This sequence change replaces aspartic acid, which is acidic and polar, with glutamic acid, which is acidic and polar, at codon 630 of the TCF20 protein (p.Asp630Glu).